The following is an entry in ClinVar:

NC_000022.10:g.(?_29095806)_(29095945_?)del

Gene: CHEK2 (checkpoint kinase 2; minus strand). Cytogenetic location: 22q12.1.
Variant type: Deletion.
Identifiers: ClinVar variation 3247435 (VCV003247435.1).

ClinVar aggregate classification (germline): Pathogenic (1 of 4 stars; one submission).

Conditions:
Familial cancer of breast. Also called: BREAST CANCER, FAMILIAL; Hereditary breast cancer; hereditary breast carcinoma. Identifiers: Orphanet 227535, MedGen C0346153, MONDO:0016419, OMIM 114480. Disease mechanism: loss of function.

Submission:

Labcorp Genetics (formerly Invitae), Labcorp
Classification: Pathogenic for Familial cancer of breast. Last evaluated: 2023-07-03. Review status: criteria provided, single submitter. Criteria: Invitae Variant Classification Sherloc (09022015). Collection method: clinical testing. Allele origin: unknown.
Comment: For these reasons, this variant has been classified as Pathogenic. This variant has not been reported in the literature in individuals affected with CHEK2-related conditions. This variant is a gross deletion of the genomic region encompassing exon(s) 9 of the CHEK2 gene. This deletion is out-of-frame, and is expected to create a premature termination codon and result in an absent or disrupted protein product. Loss-of-function variants in CHEK2 are known to be pathogenic (PMID: 21876083, 24713400).

Literature cited by the submitters: PubMed 21876083; PubMed 24713400.